The following is an entry in ClinVar:

ClinVar aggregate classification (germline): Pathogenic (1 of 4 stars; one submission).

Conditions:
Hereditary spastic paraplegia 4. Also called: Spastic paraplegia 4, autosomal dominant; Familial spastic paraplegia autosomal dominant 2; Spastic Paraplegia 4. Identifiers: Orphanet 100985, MedGen C1866855, MONDO:0008438, OMIM 182601.

Submission:

Labcorp Genetics (formerly Invitae), Labcorp
Classification: Pathogenic for Hereditary spastic paraplegia 4. Last evaluated: 2022-03-20. Review status: criteria provided, single submitter. Criteria: Invitae Variant Classification Sherloc (09022015). Collection method: clinical testing. Allele origin: germline.
Comment: For these reasons, this variant has been classified as Pathogenic. ClinVar contains an entry for this variant (Variation ID: 468564). This premature translational stop signal has been observed in individual(s) with hereditary spastic paraplegia (PMID: 16832076, 23238845). This variant is not present in population databases (gnomAD no frequency). This sequence change creates a premature translational stop signal (p.Val482Cysfs*6) in the SPAST gene. It is expected to result in an absent or disrupted protein product. Loss-of-function variants in SPAST are known to be pathogenic (PMID: 20932283).

Literature cited by the submitters: PubMed 16832076; PubMed 23238845; PubMed 20932283.

NM_014946.4(SPAST):c.1442_1443insA (p.Val482fs)

Gene: SPAST (spastin; plus strand). Cytogenetic location: 2p22.3.
Variant type: Insertion.
Coding change: c.1442_1443insA on transcript NM_014946.4 (MANE Select); coding-DNA positions 1442 to 1443, A inserted.
Protein change: p.Val482fs; shifts the reading frame from valine 482.
Molecular consequence: frameshift variant.
Genome position: GRCh38 VCF-style: chr2-32137137-T-TA. GRCh37 (hg19) VCF-style: chr2-32362206-T-TA.
Other names: c.1439_1440insA, p.Val481fs (NM_001363823.2); c.1343_1344insA, p.Val449fs (NM_001363875.2); c.1346_1347insA, p.Val450fs (NM_001377959.1, NM_199436.2); short protein forms V450fs, V482fs, V481fs, V449fs.
Identifiers: ClinVar variation 468564 (VCV000468564.8), dbSNP rs1553318313, ClinGen allele CA658657027.
Genomic context (GRCh38, chr2:32,137,137, plus strand): 5'-AAATGAATTGAAAAAAGATTTTTTGCTTGTAGGTACAGTCTGCTGGAGATGACAGAGTAC[T>TA]TGTAATGGGTGCAACTAATAGGCCACAAGAGCTTGATGAGGCTGTTCTCAGGTAGGGAGA-3'